The following is an entry in ClinVar:

NM_015512.5(DNAH1):c.3260G>A (p.Arg1087His)

Gene: DNAH1 (dynein axonemal heavy chain 1; plus strand). Cytogenetic location: 3p21.1.
Variant type: single nucleotide variant.
Coding change: c.3260G>A on transcript NM_015512.5 (MANE Select); coding-DNA position 3260, G replaced by A.
Protein change: p.Arg1087His; replaces arginine 1087 with histidine.
Molecular consequence: missense variant.
Genome position (GRCh38, 1-based): chr3:52,353,413, G>A. VCF-style: chr3-52353413-G-A. GRCh37 (hg19) VCF-style: chr3-52387429-G-A.
Other names: short protein forms R1087H.
Identifiers: ClinVar variation 649146 (VCV000649146.11), dbSNP rs145381093, ClinGen allele CA2433537.

ClinVar aggregate classification (germline): Uncertain significance. Review status: criteria provided, multiple submitters, no conflicts (2 of 4 stars). 5 submissions from 5 submitters: Uncertain significance (5). Last evaluated 2025-10-29.

Conditions:
Spermatogenic failure 18. Identifiers: MedGen C4539783, MONDO:0054615, OMIM 617576.
Ciliary dyskinesia, primary, 37 (CILD37). Also called: CILIARY DYSKINESIA, PRIMARY, 37, WITH OR WITHOUT SITUS INVERSUS. Identifiers: MedGen C4539798, MONDO:0033204, OMIM 617577.

Allele frequency attached by ClinVar (database versions not stated): TOPMed 0.00004; ESP Exome Variant Server 0.00008; 1000 Genomes Project 30x 0.00031; 1000 Genomes Project 0.00040.
gnomAD v4.1: 135 of 1,613,466 alleles (0.0084%); highest among the groups gnomAD compares: Middle Eastern, 0.21%; 1 homozygote.

Submissions (5):

Ambry Genetics
Classification: Uncertain significance. Last evaluated: 2025-10-29. Review status: criteria provided, single submitter. Criteria: Ambry Variant Classification Scheme 2023. Collection method: clinical testing. Allele origin: germline.

Labcorp Genetics (formerly Invitae), Labcorp
Classification: Uncertain significance for Ciliary dyskinesia, primary, 37; Spermatogenic failure 18. Last evaluated: 2025-01-19. Review status: criteria provided, single submitter. Criteria: Invitae Variant Classification Sherloc (09022015). Collection method: clinical testing. Allele origin: germline.
Comment: This sequence change replaces arginine, which is basic and polar, with histidine, which is basic and polar, at codon 1087 of the DNAH1 protein (p.Arg1087His). This variant is present in population databases (rs145381093, gnomAD 0.04%). This variant has not been reported in the literature in individuals affected with DNAH1-related conditions. ClinVar contains an entry for this variant (Variation ID: 649146). Invitae Evidence Modeling of protein sequence and biophysical properties (such as structural, functional, and spatial information, amino acid conservation, physicochemical variation, residue mobility, and thermodynamic stability) has been performed for this missense variant. However, the output from this modeling did not meet the statistical confidence thresholds required to predict the impact of this variant on DNAH1 protein function. In summary, the available evidence is currently insufficient to determine the role of this variant in disease. Therefore, it has been classified as a Variant of Uncertain Significance.

Blueprint Genetics
Classification: Uncertain significance. Last evaluated: 2024-06-14. Review status: criteria provided, single submitter. Criteria: ACMG Guidelines, 2015. Collection method: clinical testing. Allele origin: germline.

Neuberg Centre For Genomic Medicine, NCGM
Classification: Uncertain significance for Ciliary dyskinesia, primary, 37. Last evaluated: 2023-05-20. Review status: criteria provided, single submitter. Criteria: ACMG Guidelines, 2015. Collection method: clinical testing. Allele origin: germline. Inheritance: Autosomal recessive inheritance. Affected: yes.
Comment: The missense variant c.3260G>A(p.Arg1087His) in DNAH1 gene has not been reported previously as a pathogenic variant nor as a benign variant, to our knowledge. The observed variant has allele frequency of 0.01% in gnomAD exomes database. This variant has been reported to the ClinVar database as Uncertain Significance. Computational evidence (SIFT - damaging and MutationTaster - disease causing) predict a damaging effect on protein structure and function for this variant. The amino acid change p.Arg1087His in DNAH1 is predicted as conserved by GERP++ and PhyloP across 100 vertebrates. The amino acid Arg at position 1087 is changed to a His changing protein sequence and it might alter its composition and physico-chemical properties. For these reasons, this variant has been classified as Uncertain Significance (VUS).

Baylor Genetics
Classification: Uncertain significance for Ciliary dyskinesia, primary, 37. Last evaluated: 2019-12-24. Review status: criteria provided, single submitter. Criteria: ACMG Guidelines, 2015. Collection method: clinical testing. Allele origin: unknown. Affected: yes.
Comment: This variant was determined to be of uncertain significance according to ACMG Guidelines, 2015 [PMID:25741868].